The following is an entry in ClinVar:

Single allele

Genes: ABCA12 (ATP binding cassette subfamily A member 12; minus strand), ATIC (5-aminoimidazole-4-carboxamide ribonucleotide formyltransferase/IMP cyclohydrolase; plus strand), BARD1 (BRCA1 associated RING domain 1; minus strand), FN1 (fibronectin 1; minus strand). Cytogenetic location: 2q35.
Variant type: Deletion.
Identifiers: ClinVar variation 635911 (VCV000635911.2).

ClinVar aggregate classification (germline): no classifications from unflagged records (0 of 4 stars; one submission).

Conditions:
Encephalopathy. Also called: Unspecified encephalopathy. Identifiers: MedGen C0085584, HP:0001298.

Submission:

Rare Disease Group, Clinical Genetics, Karolinska Institutet
Classification: Uncertain significance for Encephalopathy. Last evaluated: 2019-04-09. Review status: flagged submission. Criteria: ACMG Guidelines, 2015. Collection method: clinical testing. Allele origin: germline. Affected: yes.
ClinVar note: Notes: This submission was flagged because its interpretation of this variant conflicts with the ClinGen Gene Dosage Map curation for the gene BARD1.
ClinVar note: Reason: Conflict with ClinGen Gene Dosage Map